The following is an entry in ClinVar:

ClinVar aggregate classification (germline): Uncertain significance. Review status: criteria provided, multiple submitters, no conflicts (2 of 4 stars). 2 submissions from 2 submitters: Uncertain significance (2). Last evaluated 2025-08-05.

Allele frequency attached by ClinVar (database versions not stated): gnomAD exomes below 0.00001; ExAC 0.00011.
gnomAD v4.1: 5 of 1,531,628 alleles (0.00033%); highest among the groups gnomAD compares: South Asian, 0.0012%; no homozygotes.

Submissions (2):

GeneDx
Classification: Uncertain significance. Last evaluated: 2025-08-05. Review status: criteria provided, single submitter. Criteria: GeneDx Variant Classification Process June 2021. Collection method: clinical testing. Allele origin: germline. Affected: yes.
Comment: Not observed at significant frequency in large population cohorts (gnomAD); In silico analysis supports that this missense variant has a deleterious effect on protein structure/function; Has not been previously published as pathogenic or benign to our knowledge

Labcorp Genetics (formerly Invitae), Labcorp
Classification: Uncertain significance. Last evaluated: 2022-03-04. Review status: criteria provided, single submitter. Criteria: Invitae Variant Classification Sherloc (09022015). Collection method: clinical testing. Allele origin: germline.
Comment: In summary, the available evidence is currently insufficient to determine the role of this variant in disease. Therefore, it has been classified as a Variant of Uncertain Significance. Algorithms developed to predict the effect of sequence changes on RNA splicing suggest that this variant may create or strengthen a splice site. Algorithms developed to predict the effect of missense changes on protein structure and function (SIFT, PolyPhen-2, Align-GVGD) all suggest that this variant is likely to be disruptive. This variant has not been reported in the literature in individuals affected with OTOG-related conditions. This variant is present in population databases (rs775750327, gnomAD 0.005%). This sequence change replaces cysteine, which is neutral and slightly polar, with tyrosine, which is neutral and polar, at codon 2108 of the OTOG protein (p.Cys2108Tyr).

NM_001292063.2(OTOG):c.6287G>A (p.Cys2096Tyr)

Gene: OTOG (otogelin; plus strand). Cytogenetic location: 11p15.1.
Variant type: single nucleotide variant.
Coding change: c.6287G>A on transcript NM_001292063.2 (MANE Select); coding-DNA position 6287, G replaced by A.
Protein change: p.Cys2096Tyr; replaces cysteine 2096 with tyrosine.
Molecular consequence: missense variant.
Genome position (GRCh38, 1-based): chr11:17,612,325, G>A. VCF-style: chr11-17612325-G-A. GRCh37 (hg19) VCF-style: chr11-17633872-G-A.
Other names: c.6323G>A (NM_001277269.1); c.6323G>A, p.Cys2108Tyr (NM_001277269.2); short protein forms C2108Y, C2096Y.
Identifiers: ClinVar variation 2106237 (VCV002106237.5), dbSNP rs775750327, ClinGen allele CA5906010.